The following is an entry in ClinVar:

ClinVar aggregate classification (germline): Uncertain significance (1 of 4 stars; one submission).

Conditions:
Hereditary nonpolyposis colorectal neoplasms. Identifiers: MedGen C0009405, MeSH D003123.

Allele frequency attached by ClinVar (database versions not stated): TOPMed below 0.00001.

Submission:

Labcorp Genetics (formerly Invitae), Labcorp
Classification: Uncertain significance for Hereditary nonpolyposis colorectal neoplasms. Last evaluated: 2022-11-01. Review status: criteria provided, single submitter. Criteria: Invitae Variant Classification Sherloc (09022015). Collection method: clinical testing. Allele origin: germline.
Comment: ClinVar contains an entry for this variant (Variation ID: 1346794). This variant has not been reported in the literature in individuals affected with MSH6-related conditions. This variant is not present in population databases (gnomAD no frequency). This sequence change replaces lysine, which is basic and polar, with isoleucine, which is neutral and non-polar, at codon 1319 of the MSH6 protein (p.Lys1319Ile). Advanced modeling of protein sequence and biophysical properties (such as structural, functional, and spatial information, amino acid conservation, physicochemical variation, residue mobility, and thermodynamic stability) performed at Invitae indicates that this missense variant is not expected to disrupt MSH6 protein function. In summary, the available evidence is currently insufficient to determine the role of this variant in disease. Therefore, it has been classified as a Variant of Uncertain Significance.

NM_000179.3(MSH6):c.3956A>T (p.Lys1319Ile)

Gene: MSH6 (mutS homolog 6; plus strand). Cytogenetic location: 2p16.3.
Variant type: single nucleotide variant.
Coding change: c.3956A>T on transcript NM_000179.3 (MANE Select); coding-DNA position 3956, A replaced by T.
Protein change: p.Lys1319Ile; replaces lysine 1319 with isoleucine.
Molecular consequence: missense variant.
Genome position (GRCh38, 1-based): chr2:47,806,606, A>T. VCF-style: chr2-47806606-A-T. GRCh37 (hg19) VCF-style: chr2-48033745-A-T.
Other names: c.3566A>T, p.Lys1189Ile (NM_001281492.2); c.3050A>T, p.Lys1017Ile (NM_001281493.2, NM_001281494.2); short protein forms K1017I, K1189I, K1319I.
Identifiers: ClinVar variation 1346794 (VCV001346794.6), dbSNP rs876659383, ClinGen allele CA346761535.